The following is an entry in ClinVar:

ClinVar aggregate classification (germline): Uncertain significance. Review status: criteria provided, multiple submitters, no conflicts (2 of 4 stars). 2 submissions from 2 submitters: Uncertain significance (2). Last evaluated 2022-02-05.

Allele frequency attached by ClinVar (database versions not stated): gnomAD 0.00001.

Submissions (2):

Labcorp Genetics (formerly Invitae), Labcorp
Classification: Uncertain significance. Last evaluated: 2022-02-05. Review status: criteria provided, single submitter. Criteria: Invitae Variant Classification Sherloc (09022015). Collection method: clinical testing. Allele origin: germline.
Comment: In summary, the available evidence is currently insufficient to determine the role of this variant in disease. Therefore, it has been classified as a Variant of Uncertain Significance. Algorithms developed to predict the effect of missense changes on protein structure and function (SIFT, PolyPhen-2, Align-GVGD) all suggest that this variant is likely to be disruptive. ClinVar contains an entry for this variant (Variation ID: 934076). This variant has not been reported in the literature in individuals affected with VCAN-related conditions. This variant is not present in population databases (gnomAD no frequency). This sequence change replaces threonine, which is neutral and polar, with isoleucine, which is neutral and non-polar, at codon 2701 of the VCAN protein (p.Thr2701Ile).

Blueprint Genetics
Classification: Uncertain significance. Last evaluated: 2019-11-08. Review status: criteria provided, single submitter. Criteria: ACMG Guidelines, 2015. Collection method: clinical testing. Allele origin: germline.

NM_004385.5(VCAN):c.8102C>T (p.Thr2701Ile)

Genes: VCAN (versican; plus strand), VCAN-AS1 (VCAN antisense RNA 1; minus strand). Cytogenetic location: 5q14.3.
Variant type: single nucleotide variant.
Coding change: c.8102C>T on transcript NM_004385.5 (MANE Select); coding-DNA position 8102, C replaced by T.
Protein change: p.Thr2701Ile; replaces threonine 2701 with isoleucine.
Molecular consequence: missense variant. On other transcripts: intron variant (2).
Genome position (GRCh38, 1-based): chr5:83,541,105, C>T. VCF-style: chr5-83541105-C-T. GRCh37 (hg19) VCF-style: chr5-82836924-C-T.
Other names: c.5141C>T, p.Thr1714Ile (NM_001164097.2); c.4004-4432C>T (NM_001164098.2); c.1043-4432C>T (NM_001126336.3); short protein forms T1714I, T2701I.
Identifiers: ClinVar variation 934076 (VCV000934076.10), dbSNP rs1197311115, ClinGen allele CA360316183.